The following is an entry in ClinVar:

NM_153033.5(KCTD7):c.291C>T (p.Ile97=)

Gene: KCTD7 (potassium channel tetramerization domain containing 7; plus strand). Cytogenetic location: 7q11.21.
Variant type: single nucleotide variant.
Coding change: c.291C>T on transcript NM_153033.5 (MANE Select); coding-DNA position 291, C replaced by T.
Protein change: p.Ile97=; no amino-acid change (isoleucine 97 retained).
Molecular consequence: synonymous variant.
Genome position (GRCh38, 1-based): chr7:66,633,421, C>T. VCF-style: chr7-66633421-C-T. GRCh37 (hg19) VCF-style: chr7-66098408-C-T.
Other names: c.291C>T, p.Ile97= (NM_001167961.2).
Identifiers: ClinVar variation 384144 (VCV000384144.14), dbSNP rs769023482, ClinGen allele CA4278217.
Genomic context (GRCh38, chr7:66,633,421, plus strand): 5'-GGCAGCCATGTTCAGTGGGCGGCACTACATCCCCACGGACTCCGAGGGCCGGTACTTCAT[C>T]GACCGAGATGGCACACACTTTGGGTATGTCTCTCCCTCTACAATCAACTTTGTAGTCCTA-3'
Protein context (NP_694578.1, residues 87-107): IPTDSEGRYF[Ile97=]DRDGTHFGDV

ClinVar aggregate classification (germline): Conflicting classifications of pathogenicity. Review status: criteria provided, conflicting classifications (1 of 4 stars). 3 submissions from 3 submitters: Uncertain significance (1); Likely benign (2). Last evaluated 2025-11-03.

Conditions:
Progressive myoclonic epilepsy type 3. Also called: KCTD7-Related Progressive Myoclonic Epilepsy; EPILEPSY, PROGRESSIVE MYOCLONIC, 3, WITH OR WITHOUT INTRACELLULAR INCLUSIONS; CEROID LIPOFUSCINOSIS, NEURONAL, 14; EPILEPSY, PROGRESSIVE MYOCLONIC, 3, WITHOUT INTRACELLULAR INCLUSIONS. Identifiers: Orphanet 263516, MedGen C2673257, MONDO:0012721, OMIM 611726.

Allele frequency attached by ClinVar (database versions not stated): gnomAD exomes below 0.00001; ExAC 0.00001; TOPMed 0.00002.
gnomAD v4.1: 3 of 1,614,130 alleles (0.00019%); highest among the groups gnomAD compares: Admixed American, 0.0017%; no homozygotes.

Submissions (3):

Labcorp Genetics (formerly Invitae), Labcorp
Classification: Likely benign for Progressive myoclonic epilepsy type 3. Last evaluated: 2025-11-03. Review status: criteria provided, single submitter. Criteria: Invitae Variant Classification Sherloc (09022015). Collection method: clinical testing. Allele origin: germline.

Illumina Laboratory Services, Illumina
Classification: Uncertain significance for Progressive myoclonic epilepsy type 3. Last evaluated: 2018-01-13. Review status: criteria provided, single submitter. Criteria: ICSL Variant Classification Criteria 13 December 2019. Collection method: clinical testing. Allele origin: germline.

GeneDx
Classification: Likely benign. Last evaluated: 2017-01-03. Review status: criteria provided, single submitter. Criteria: GeneDx Variant Classification (06012015). Collection method: clinical testing. Allele origin: germline. Affected: yes.
Comment: This variant is considered likely benign or benign based on one or more of the following criteria: it is a conservative change, it occurs at a poorly conserved position in the protein, it is predicted to be benign by multiple in silico algorithms, and/or has population frequency not consistent with disease.